The following is an entry in ClinVar:

NM_001195305.3(BBIP1):c.124G>T (p.Val42Leu)

Gene: BBIP1 (BBSome interacting protein 1; minus strand). Cytogenetic location: 10q25.2.
Variant type: single nucleotide variant.
Coding change: c.124G>T on transcript NM_001195305.3 (MANE Select); coding-DNA position 124, G replaced by T.
Protein change: p.Val42Leu; replaces valine 42 with leucine.
Molecular consequence: missense variant.
Genome position (GRCh38, 1-based): chr10:110,900,515, C>A on the plus strand (G>T on the coding strand, the complement: BBIP1 is on the minus strand). VCF-style: chr10-110900515-C-A. GRCh37 (hg19) VCF-style: chr10-112660273-C-A.
Other names: c.281G>T, p.Cys94Phe (NM_001195304.2); c.124G>T, p.Val42Leu (NM_001195306.2); c.49G>T, p.Val17Leu (NM_001195307.2); c.58G>T, p.Val20Leu (NM_001243783.3); short protein forms C94F, V17L, V20L, V42L.
Identifiers: ClinVar variation 1009393 (VCV001009393.8), dbSNP rs1367918388, ClinGen allele CA378389217.

ClinVar aggregate classification (germline): Uncertain significance (1 of 4 stars; one submission).

Allele frequency attached by ClinVar (database versions not stated): TOPMed below 0.00001; gnomAD exomes 0.00001.
gnomAD v4.1: 13 of 1,527,976 alleles (0.00085%); highest among the groups gnomAD compares: African/African-American, 0.0014%; no homozygotes.

Submission:

Labcorp Genetics (formerly Invitae), Labcorp
Classification: Uncertain significance. Last evaluated: 2024-12-02. Review status: criteria provided, single submitter. Criteria: Invitae Variant Classification Sherloc (09022015). Collection method: clinical testing. Allele origin: germline.
Comment: This sequence change replaces valine, which is neutral and non-polar, with leucine, which is neutral and non-polar, at codon 42 of the BBIP1 protein (p.Val42Leu). The frequency data for this variant in the population databases is considered unreliable, as metrics indicate poor data quality at this position in the gnomAD database. This variant has not been reported in the literature in individuals affected with BBIP1-related conditions. ClinVar contains an entry for this variant (Variation ID: 1009393). An algorithm developed to predict the effect of missense changes on protein structure and function (PolyPhen-2) suggests that this variant is likely to be tolerated. In summary, the available evidence is currently insufficient to determine the role of this variant in disease. Therefore, it has been classified as a Variant of Uncertain Significance.